The following is an entry in ClinVar:

ClinVar aggregate classification (germline): Pathogenic/Likely pathogenic. Review status: criteria provided, multiple submitters, no conflicts (2 of 4 stars). 2 submissions from 2 submitters: Pathogenic (1); Likely pathogenic (1). Last evaluated 2025-09-16.

Conditions:
Familial adenomatous polyposis 1 (FAP1). Also called: FAMILIAL ADENOMATOUS POLYPOSIS 1, ATTENUATED; POLYPOSIS, ADENOMATOUS INTESTINAL. Identifiers: MedGen C2713442, MONDO:0021056, OMIM 175100. Disease mechanism: loss of function.
Hereditary cancer-predisposing syndrome. Also called: Hereditary neoplastic syndrome; Tumor predisposition; Hereditary Cancer Syndrome; Neoplastic Syndromes, Hereditary. Identifiers: Orphanet 140162, MedGen C0027672, MeSH D009386, MONDO:0015356.

Submissions (2):

Ambry Genetics
Classification: Likely pathogenic for Hereditary cancer-predisposing syndrome. Last evaluated: 2025-09-16. Review status: criteria provided, single submitter. Criteria: Ambry Variant Classification Scheme 2023. Collection method: clinical testing. Allele origin: germline.
Comment: The c.2149dupA variant, located in coding exon 15 of the APC gene, results from a duplication of A at nucleotide position 2149, causing a translational frameshift with a predicted alternate stop codon (p.M717Nfs*17). This alteration occurs at the 3' terminus of the gene, is not expected to trigger nonsense-mediated mRNA decay, and impacts the last 75% of the protein. However, premature stop codons are typically deleterious in nature, the impacted region is critical for protein function, and a significant portion of the protein is affected (Ambry internal data). This variant is considered to be rare based on population cohorts in the Genome Aggregation Database (gnomAD). Based on the majority of available evidence to date, this variant is likely to be pathogenic.

Myriad Genetics, Inc.
Classification: Pathogenic for Familial adenomatous polyposis 1. Last evaluated: 2023-05-04. Review status: criteria provided, single submitter. Criteria: Myriad Autosomal Dominant, Autosomal Recessive and X-Linked Classification Criteria (2023). Collection method: clinical testing. Allele origin: unknown.
Comment: This variant is considered pathogenic. This variant creates a frameshift predicted to result in premature protein truncation.

NM_000038.6(APC):c.2149dup (p.Met717fs)

Gene: APC (APC regulator of Wnt signaling pathway; plus strand). Cytogenetic location: 5q22.2.
Variant type: Duplication.
Coding change: c.2149dup on transcript NM_000038.6 (MANE Select); coding-DNA position 2149, one base duplicated (A; older notation c.2149dupA).
Protein change: p.Met717fs; shifts the reading frame from methionine 717.
Molecular consequence: frameshift variant. On other transcripts: non-coding transcript variant (2).
Genome position (GRCh38, 1-based): chr5:112,837,743, A duplicated; the last of 4 consecutive A bases (chr5:112,837,740-112,837,743); duplicating any one gives the same sequence. VCF-style (leftmost placement, unchanged base first): chr5-112837739-C-CA. GRCh37 (hg19) VCF-style: chr5-112173436-C-CA.
Other names: c.2149dupA (NM_000038.5); c.2149dup, p.Met717fs (NM_001127510.3, NM_001354895.2, NM_001407450.1); c.2095dup, p.Met699fs (NM_001127511.3); c.2203dup, p.Met735fs (NM_001354896.2, NM_001407447.1, NM_001407448.1 and 1 more transcripts); c.2179dup, p.Met727fs (NM_001354897.2); c.2074dup, p.Met692fs (NM_001354898.2); c.2065dup, p.Met689fs (NM_001354899.2); c.2026dup, p.Met676fs (NM_001354900.2); and 12 more; short protein forms M333fs, M434fs, M557fs, M588fs, M591fs, M616fs, M626fs, M634fs.
Identifiers: ClinVar variation 2584009 (VCV002584009.2), dbSNP rs2533400191, ClinGen allele CA2582341425.
Genomic context (GRCh38, chr5:112,837,739, plus strand): 5'-GGAAGCATTATGGGACATGGGGGCAGTTAGCATGCTCAAGAACCTCATTCATTCAAAGCA[C>CA]AAAATGATTGCTATGGGAAGTGCTGCAGCTTTAAGGAATCTCATGGCAAATAGGCCTGCG-3'